The following is an entry in ClinVar:

NM_004656.4(BAP1):c.553G>A (p.Gly185Arg)

Gene: BAP1 (BRCA1 associated deubiquitinase 1; minus strand). Cytogenetic location: 3p21.1.
Variant type: single nucleotide variant.
Coding change: c.553G>A on transcript NM_004656.4 (MANE Select); coding-DNA position 553, G replaced by A.
Protein change: p.Gly185Arg; replaces glycine 185 with arginine.
Molecular consequence: missense variant.
Genome position (GRCh38, 1-based): chr3:52,407,201, C>T on the plus strand (G>A on the coding strand, the complement: BAP1 is on the minus strand). VCF-style: chr3-52407201-C-T. GRCh37 (hg19) VCF-style: chr3-52441217-C-T.
Other names: short protein forms G185R.
Identifiers: ClinVar variation 1356111 (VCV001356111.11), dbSNP rs2153227788, ClinGen allele CA353109606.
Genomic context (GRCh38, chr3:52,407,201, plus strand): 5'-ACACCCAACAGGCCTCCAGCTCATGGTGCCTACCATGGTCAATGGGGTAGACCTTCAGCC[C>T]ATCCAGCTCAAAGAGCCGGCCTGTGATAGGCACATAGCTGACAAAGTGGAACGCCTCCAT-3'
Protein context (NP_004647.1, residues 175-195): PITGRLFELD[Gly185Arg]LKVYPIDHGP

ClinVar aggregate classification (germline): Conflicting classifications of pathogenicity. Review status: criteria provided, conflicting classifications (1 of 4 stars). 2 submissions from 2 submitters: Likely pathogenic (1); Uncertain significance (1). Last evaluated 2026-06-23.

Conditions:
Hereditary cancer-predisposing syndrome. Also called: Hereditary Cancer Syndrome; Neoplastic Syndromes, Hereditary; Hereditary neoplastic syndrome; Tumor predisposition. Identifiers: Orphanet 140162, MedGen C0027672, MeSH D009386, MONDO:0015356.
BAP1-related tumor predisposition syndrome (TPDS1). Also called: BAP1 tumor predisposition syndrome; Tumor susceptibility linked to germline BAP1 mutations; COMMON Syndrome; TUMOR PREDISPOSITION SYNDROME 1. Identifiers: Orphanet 289539, MedGen C3280492, MONDO:0013692, OMIM 614327.

Submissions (2):

Ambry Genetics
Classification: Likely pathogenic for Hereditary cancer-predisposing syndrome. Last evaluated: 2026-06-23. Review status: criteria provided, single submitter. Criteria: Ambry Variant Classification Scheme 2023. Collection method: clinical testing. Allele origin: germline.
Comment: The p.G185R variant (also known as c.553G>A), located in coding exon 7 of the BAP1 gene, results from a G to A substitution at nucleotide position 553. The glycine at codon 185 is replaced by arginine, an amino acid with dissimilar properties. This variant was reported in individual(s) with features consistent with BAP1-related tumor predisposition syndrome (Ambry internal data). This alteration was non-functional in a high throughput genome editing haploid cell survival functional assay (Waters AJ et al. Nat Genet, 2024 Jul;56:1434-1445). This amino acid position is highly conserved in available vertebrate species. In addition, this alteration is predicted to be deleterious by in silico analysis. This variant is considered to be rare based on population cohorts in the Genome Aggregation Database (gnomAD). Based on the majority of available evidence to date, this variant is likely to be pathogenic.

Labcorp Genetics (formerly Invitae), Labcorp
Classification: Uncertain significance for BAP1-related tumor predisposition syndrome. Last evaluated: 2021-05-25. Review status: criteria provided, single submitter. Criteria: Invitae Variant Classification Sherloc (09022015). Collection method: clinical testing. Allele origin: germline.
Comment: This variant has not been reported in the literature in individuals with BAP1-related conditions. This sequence change replaces glycine with arginine at codon 185 of the BAP1 protein (p.Gly185Arg). The glycine residue is highly conserved and there is a moderate physicochemical difference between glycine and arginine. This variant is not present in population databases (ExAC no frequency). Algorithms developed to predict the effect of missense changes on protein structure and function (SIFT, PolyPhen-2, Align-GVGD) all suggest that this variant is likely to be disruptive, but these predictions have not been confirmed by published functional studies and their clinical significance is uncertain. In summary, the available evidence is currently insufficient to determine the role of this variant in disease. Therefore, it has been classified as a Variant of Uncertain Significance.

Literature cited by the submitters: PubMed 38969833 (cited by Ambry Genetics).